The following is an entry in ClinVar:

ClinVar aggregate classification (germline): Pathogenic (1 of 4 stars; one submission).

Conditions:
Rubinstein-Taybi syndrome (RSTS). Identifiers: Orphanet 783, MedGen C0035934, MONDO:0019188.

Submission:

Labcorp Genetics (formerly Invitae), Labcorp
Classification: Pathogenic for Rubinstein-Taybi syndrome. Last evaluated: 2019-07-20. Review status: criteria provided, single submitter. Criteria: Invitae Variant Classification Sherloc (09022015). Collection method: clinical testing. Allele origin: germline.
Comment: For these reasons, this variant has been classified as Pathogenic. Loss-of-function variants in CREBBP are known to be pathogenic (PMID: 17052327, 18792986). This variant has not been reported in the literature in individuals with CREBBP-related conditions. This variant is not present in population databases (ExAC no frequency). This sequence change creates a premature translational stop signal (p.Arg14Glufs*31) in the CREBBP gene. It is expected to result in an absent or disrupted protein product.

Literature cited by the submitters: PubMed 17052327; PubMed 18792986.

NM_004380.3(CREBBP):c.36del (p.Arg14fs)

Genes: CREBBP (CREB binding lysine acetyltransferase; minus strand), LOC130058357 (ATAC-STARR-seq lymphoblastoid silent region 7141; plus strand). Cytogenetic location: 16p13.3.
Variant type: Deletion.
Coding change: c.36del on transcript NM_004380.3 (MANE Select); coding-DNA position 36, one base deleted (C; older notation c.36delC).
Protein change: p.Arg14fs; shifts the reading frame from arginine 14.
Molecular consequence: frameshift variant.
Genome position (GRCh38, 1-based): chr16:3,879,881, G deleted on the plus strand (C on the coding strand, the reverse complement: CREBBP is on the minus strand); the first of 4 consecutive G bases (chr16:3,879,881-3,879,884); deleting any one gives the same sequence. VCF-style (leftmost placement, unchanged base first): chr16-3879880-TG-T. GRCh37 (hg19) VCF-style: chr16-3929881-TG-T.
Other names: c.36del, p.Arg14fs (NM_001079846.1); short protein forms R14fs.
Identifiers: ClinVar variation 960417 (VCV000960417.8), dbSNP rs2055490682, ClinGen allele CA1139664457.